The following is an entry in ClinVar:

ClinVar aggregate classification (germline): Uncertain significance. Review status: criteria provided, single submitter (1 of 4 stars). 2 submissions from 2 submitters: Uncertain significance (1). 1 of the submissions does not count toward it. Last evaluated 2019-10-12.

Conditions:
Charcot-Marie-Tooth Neuropathy X. Identifiers: MedGen CN118851.
Charcot-Marie-Tooth disease. Also called: Charcot-Marie-Tooth Hereditary Neuropathy; Charcot-Marie-Tooth Neuropathy. Identifiers: Orphanet 166, MedGen C0007959, MONDO:0015626.

Submissions (2):

Labcorp Genetics (formerly Invitae), Labcorp
Classification: Uncertain significance for Charcot-Marie-Tooth Neuropathy X. Last evaluated: 2019-10-12. Review status: criteria provided, single submitter. Criteria: Invitae Variant Classification Sherloc (09022015). Collection method: clinical testing. Allele origin: germline.
Comment: This sequence change replaces asparagine with serine at codon 175 of the GJB1 protein (p.Asn175Ser). The asparagine residue is highly conserved and there is a small physicochemical difference between asparagine and serine. This variant is not present in population databases (ExAC no frequency). This variant has been observed in several individuals affected with Charcot-Marie-Tooth disease or hereditary motor and sensory neuropathy (PMID: 16096811, Invitae). ClinVar contains an entry for this variant (Variation ID: 637180). Algorithms developed to predict the effect of missense changes on protein structure and function (SIFT, PolyPhen-2, Align-GVGD) all suggest that this variant is likely to be disruptive, but these predictions have not been confirmed by published functional studies and their clinical significance is uncertain. Algorithms developed to predict the effect of sequence changes on RNA splicing suggest that this variant may create or strengthen a splice site, but this prediction has not been confirmed by published transcriptional studies. This variant disrupts the p.Asn175 amino acid residue in GJB1. Other variant(s) that disrupt this residue have been observed in individuals with GJB1-related conditions (PMID: 9633821), which suggests that this may be a clinically significant amino acid residue. In summary, the available evidence is currently insufficient to determine the role of this variant in disease. Therefore, it has been classified as a Variant of Uncertain Significance.

Inherited Neuropathy Consortium
Classification: Uncertain significance for Charcot-Marie-Tooth disease. Review status: no assertion criteria provided. Collection method: literature only. Allele origin: germline. Affected: yes. Not counted in ClinVar's aggregate classification.

Literature cited by the submitters: PubMed 16096811 (cited by Labcorp Genetics (formerly Invitae), Labcorp and Inherited Neuropathy Consortium); PubMed 9633821 (cited by Labcorp Genetics (formerly Invitae), Labcorp).

NM_000166.6(GJB1):c.524A>G (p.Asn175Ser)

Gene: GJB1 (gap junction protein beta 1; plus strand). Cytogenetic location: Xq13.1.
Variant type: single nucleotide variant.
Coding change: c.524A>G on transcript NM_000166.6 (MANE Select); coding-DNA position 524, A replaced by G.
Protein change: p.Asn175Ser; replaces asparagine 175 with serine.
Molecular consequence: missense variant.
Genome position (GRCh38, 1-based): chrX:71,224,231, A>G. VCF-style: chrX-71224231-A-G. GRCh37 (hg19) VCF-style: chrX-70444081-A-G.
Other names: c.524A>G, p.Asn175Ser (NM_001097642.3); short protein forms N175S.
Identifiers: ClinVar variation 637180 (VCV000637180.10), dbSNP rs1602349555, ClinGen allele CA413502965.
Genomic context (GRCh38, chrX:71,224,231, plus strand): 5'-TGCTCTACCCTGGCTATGCCATGGTGCGGCTGGTCAAGTGCGACGTCTACCCCTGCCCCA[A>G]CACAGTGGACTGCTTCGTGTCCCGCCCCACCGAGAAAACCGTCTTCACCGTCTTCATGCT-3'
Protein context (NP_000157.1, residues 165-185): LVKCDVYPCP[Asn175Ser]TVDCFVSRPT